The following is an entry in ClinVar:

ClinVar aggregate classification (germline): Uncertain significance. Review status: criteria provided, multiple submitters, no conflicts (2 of 4 stars). 2 submissions from 2 submitters: Uncertain significance (2). Last evaluated 2024-08-04.

Conditions:
Hereditary cancer-predisposing syndrome. Also called: Neoplastic Syndromes, Hereditary; Tumor predisposition; Hereditary neoplastic syndrome; Hereditary Cancer Syndrome. Identifiers: Orphanet 140162, MedGen C0027672, MeSH D009386, MONDO:0015356.
Breast-ovarian cancer, familial, susceptibility to, 4. Identifiers: Orphanet 145, MedGen C3280345, MONDO:0013669, OMIM 614291.

Submissions (2):

Ambry Genetics
Classification: Uncertain significance for Hereditary cancer-predisposing syndrome. Last evaluated: 2024-08-04. Review status: criteria provided, single submitter. Criteria: Ambry Variant Classification Scheme 2023. Collection method: clinical testing. Allele origin: germline.
Comment: The p.E37K variant (also known as c.109G>A), located in coding exon 2 of the RAD51D gene, results from a G to A substitution at nucleotide position 109. The glutamic acid at codon 37 is replaced by lysine, an amino acid with similar properties. This amino acid position is conserved. In addition, the in silico prediction for this alteration is inconclusive. Since supporting evidence is limited at this time, the clinical significance of this alteration remains unclear.

Labcorp Genetics (formerly Invitae), Labcorp
Classification: Uncertain significance for Breast-ovarian cancer, familial, susceptibility to, 4. Last evaluated: 2021-06-25. Review status: criteria provided, single submitter. Criteria: Invitae Variant Classification Sherloc (09022015). Collection method: clinical testing. Allele origin: germline.
Comment: In summary, the available evidence is currently insufficient to determine the role of this variant in disease. Therefore, it has been classified as a Variant of Uncertain Significance. Algorithms developed to predict the effect of missense changes on protein structure and function are either unavailable or do not agree on the potential impact of this missense change (SIFT: "Tolerated"; PolyPhen-2: "Probably Damaging"; Align-GVGD: "Class C0"). This variant has not been reported in the literature in individuals with RAD51D-related conditions. This variant is not present in population databases (ExAC no frequency). This sequence change replaces glutamic acid with lysine at codon 37 of the RAD51D protein (p.Glu37Lys). The glutamic acid residue is moderately conserved and there is a small physicochemical difference between glutamic acid and lysine.

NM_002878.4(RAD51D):c.109G>A (p.Glu37Lys)

Genes: RAD51D (RAD51 paralog D; minus strand), RAD51L3-RFFL (RAD51L3-RFFL readthrough; minus strand). Cytogenetic location: 17q12.
Variant type: single nucleotide variant.
Coding change: c.109G>A on transcript NM_002878.4 (MANE Select); coding-DNA position 109, G replaced by A.
Protein change: p.Glu37Lys; replaces glutamic acid 37 with lysine.
Molecular consequence: missense variant. On other transcripts: non-coding transcript variant (2).
Genome position (GRCh38, 1-based): chr17:35,119,146, C>T on the plus strand (G>A on the coding strand, the complement: RAD51D is on the minus strand). VCF-style: chr17-35119146-C-T. GRCh37 (hg19) VCF-style: chr17-33446165-C-T.
Other names: c.109G>A, p.Glu37Lys (NM_001142571.2, NM_133629.3); short protein forms E37K.
Identifiers: ClinVar variation 1363621 (VCV001363621.11), dbSNP rs876659848, ClinGen allele CA399091923.
Genomic context (GRCh38, chr17:35,119,146, plus strand): 5'-TGGAATGTGGAGATCAGGAGCTCACCTTGTAAGACAAGCCACATTTCTGAGCTACCTCTT[C>T]CAGGTCTGCAGAAACCAGGTCCACCACTGAAAACAAAACACGTATAGCGGATTGGCAGAG-3'
Protein context (NP_002869.3, residues 27-47): TVVDLVSADL[Glu37Lys]EVAQKCGLSY